The following is an entry in ClinVar:

NM_006031.6(PCNT):c.6822G>A (p.Pro2274=)

Gene: PCNT (pericentrin; plus strand). Cytogenetic location: 21q22.3.
Variant type: single nucleotide variant.
Coding change: c.6822G>A on transcript NM_006031.6 (MANE Select); coding-DNA position 6822, G replaced by A.
Protein change: p.Pro2274=; no amino-acid change (proline 2274 retained).
Molecular consequence: synonymous variant.
Genome position (GRCh38, 1-based): chr21:46,416,740, G>A. VCF-style: chr21-46416740-G-A. GRCh37 (hg19) VCF-style: chr21-47836654-G-A.
Other names: c.6468G>A, p.Pro2156= (NM_001315529.2).
Identifiers: ClinVar variation 211875 (VCV000211875.26), dbSNP rs375741970, ClinGen allele CA206482.

ClinVar aggregate classification (germline): Benign/Likely benign. Review status: criteria provided, multiple submitters, no conflicts (2 of 4 stars). 6 submissions from 6 submitters: Benign (5); Likely benign (1). Last evaluated 2026-01-28.

Conditions:
Microcephalic osteodysplastic primordial dwarfism type II (MOPD2). Also called: Microcephalic osteodysplastic primordial dwarfism with tooth abnormalities; MOPD II; OSTEODYSPLASTIC PRIMORDIAL DWARFISM, TYPE II. Identifiers: Orphanet 2637, MedGen C0432246, MONDO:0008872, OMIM 210720.

Allele frequency attached by ClinVar (database versions not stated): TOPMed 0.00022; gnomAD 0.00111 and 0.00009; ESP Exome Variant Server 0.00008; 1000 Genomes Project 0.00659; 1000 Genomes Project 30x 0.00703.
gnomAD v4.1: 2,838 of 1,597,238 alleles (0.18%); highest among the groups gnomAD compares: South Asian, 3%; 61 homozygotes.

Submissions (6):

Labcorp Genetics (formerly Invitae), Labcorp
Classification: Benign. Last evaluated: 2026-01-28. Review status: criteria provided, single submitter. Criteria: Invitae Variant Classification Sherloc (09022015). Collection method: clinical testing. Allele origin: germline.

Blueprint Genetics
Classification: Likely benign. Last evaluated: 2024-11-25. Review status: criteria provided, single submitter. Criteria: ACMG Guidelines, 2015. Collection method: clinical testing. Allele origin: germline.

ARUP Laboratories, Molecular Genetics and Genomics, ARUP Laboratories
Classification: Benign for Microcephalic osteodysplastic primordial dwarfism type II. Last evaluated: 2020-01-14. Review status: criteria provided, single submitter. Criteria: ARUP Molecular Germline Variant Investigation Process. Collection method: clinical testing. Allele origin: germline.

GeneDx
Classification: Benign. Last evaluated: 2019-04-03. Review status: criteria provided, single submitter. Criteria: GeneDx Variant Classification Process June 2021. Collection method: clinical testing. Allele origin: germline. Affected: yes.

Illumina Laboratory Services, Illumina
Classification: Benign for Microcephalic osteodysplastic primordial dwarfism type II. Last evaluated: 2018-01-13. Review status: criteria provided, single submitter. Criteria: ICSL Variant Classification Criteria 13 December 2019. Collection method: clinical testing. Allele origin: germline.
Comment: This variant was observed in the ICSL laboratory as part of a predisposition screen in an ostensibly healthy population. It had not been previously curated by ICSL or reported in the Human Gene Mutation Database (HGMD: prior to June 1st, 2018), and was therefore a candidate for classification through an automated scoring system. Utilizing variant allele frequency, disease prevalence and penetrance estimates, and inheritance mode, an automated score was calculated to assess if this variant is too frequent to cause the disease. Based on the score and internal cut-off values, a variant classified as benign is not then subjected to further curation. The score for this variant resulted in a classification of benign for this disease.

Genetic Services Laboratory, University of Chicago
Classification: Benign. Last evaluated: 2015-10-22. Review status: criteria provided, single submitter. Criteria: ACMG Guidelines, 2015. Collection method: clinical testing. Allele origin: germline. Affected: no.